The following is an entry in ClinVar:

ClinVar aggregate classification (germline): Benign. Review status: criteria provided, multiple submitters, no conflicts (2 of 4 stars). 2 submissions from 2 submitters: Benign (2). Last evaluated 2018-06-15.

Allele frequency attached by ClinVar (database versions not stated): 1000 Genomes Project 0.02476.
gnomAD v4.1: 79,096 of 1,580,712 alleles (5%); highest among the groups gnomAD compares: Non-Finnish European, 5.8%; 2,180 homozygotes.

Submissions (2):

GeneDx
Classification: Benign. Last evaluated: 2018-06-15. Review status: criteria provided, single submitter. Criteria: GeneDx Variant Classification (06012015). Collection method: clinical testing. Allele origin: germline. Affected: yes.
Comment: This variant is considered likely benign or benign based on one or more of the following criteria: it is a conservative change, it occurs at a poorly conserved position in the protein, it is predicted to be benign by multiple in silico algorithms, and/or has population frequency not consistent with disease.

Breakthrough Genomics
Classification: Benign. Review status: criteria provided, single submitter. Criteria: ACMG Guidelines, 2015. Collection method: not provided. Allele origin: germline. Inheritance: Autosomal dominant inheritance. Affected: yes.

NM_004655.4(AXIN2):c.1200+100G>A

Gene: AXIN2 (axin 2; minus strand). Cytogenetic location: 17q24.1.
Variant type: single nucleotide variant.
Coding change: c.1200+100G>A on transcript NM_004655.4 (MANE Select); 100 bases into the intron after coding-DNA position 1200, G replaced by A.
Molecular consequence: intron variant.
Genome position (GRCh38, 1-based): chr17:65,538,103, C>T on the plus strand (G>A on the coding strand, the complement: AXIN2 is on the minus strand). VCF-style: chr17-65538103-C-T. GRCh37 (hg19) VCF-style: chr17-63534221-C-T.
Other names: c.1200+100G>A (NM_001363813.1).
Identifiers: ClinVar variation 676464 (VCV000676464.2), dbSNP rs56248738, ClinGen allele CA8718763.